The following is an entry in ClinVar:

NM_053274.3(GLMN):c.112G>T (p.Glu38Ter)

Gene: GLMN (glomulin, FKBP associated protein; minus strand). Cytogenetic location: 1p22.1.
Variant type: single nucleotide variant.
Coding change: c.112G>T on transcript NM_053274.3 (MANE Select); coding-DNA position 112, G replaced by T.
Protein change: p.Glu38Ter; replaces glutamic acid 38 with a stop codon.
Molecular consequence: nonsense. On other transcripts: non-coding transcript variant (1).
Genome position (GRCh38, 1-based): chr1:92,297,457, C>A on the plus strand (G>T on the coding strand, the complement: GLMN is on the minus strand). VCF-style: chr1-92297457-C-A. GRCh37 (hg19) VCF-style: chr1-92763014-C-A.
Other names: c.112G>T, p.Glu38Ter (NM_001319683.2); short protein forms E38*.
Identifiers: ClinVar variation 4996711 (VCV004996711.1).

ClinVar aggregate classification (germline): Likely pathogenic (1 of 4 stars; one submission).

Conditions:
GLMN-related disorder. Also called: GLMN-related condition.

Submission:

PreventionGenetics, part of Exact Sciences
Classification: Likely pathogenic for GLMN-related condition. Last evaluated: 2026-01-16. Review status: criteria provided, single submitter. Criteria: ACMG Guidelines, 2015. Collection method: clinical testing. Allele origin: germline.
Comment: The GLMN c.112G>T variant is predicted to result in premature protein termination (p.Glu38*). To our knowledge, this variant has not been reported in the literature or in a large population database (gnomAD), indicating this variant is rare. Nonsense variants in GLMN are expected to be pathogenic. This variant is interpreted as likely pathogenic.